The following is an entry in ClinVar:

ClinVar aggregate classification (germline): Uncertain significance (1 of 4 stars; one submission).

gnomAD v4.1: 1 of 1,454,932 alleles (0.000069%); highest among the groups gnomAD compares: Non-Finnish European, 0.000092%; no homozygotes.

Submission:

GeneDx
Classification: Uncertain significance. Last evaluated: 2025-01-16. Review status: criteria provided, single submitter. Criteria: GeneDx Variant Classification Process June 2021. Collection method: clinical testing. Allele origin: germline. Affected: yes.
Comment: Not observed at significant frequency in large population cohorts (gnomAD); Intronic +5 splice site variant in a gene for which loss of function is a known mechanism of disease, and both splice predictors and evolutionary conservation support a deleterious effect, although in the absence of functional evidence the actual effect of this sequence change is unknown.; Has not been previously published as pathogenic or benign to our knowledge

NM_001395002.1(MAP4K4):c.306+5G>A

Gene: MAP4K4 (mitogen-activated protein kinase kinase kinase kinase 4; plus strand). Cytogenetic location: 2q11.2.
Variant type: single nucleotide variant.
Coding change: c.306+5G>A on transcript NM_001395002.1 (MANE Select); 5 bases into the intron after coding-DNA position 306, G replaced by A.
Molecular consequence: intron variant.
Genome position (GRCh38, 1-based): chr2:101,824,058, G>A. VCF-style: chr2-101824058-G-A. GRCh37 (hg19) VCF-style: chr2-102440520-G-A.
Other names: c.306+5G>A (NM_001384506.1, NM_001384497.1, NM_001384486.1 and 28 more transcripts); c.279+5G>A (NM_001384579.1, NM_001384555.1, NM_001384572.1 and 16 more transcripts).
Identifiers: ClinVar variation 4070829 (VCV004070829.1).